The following is an entry in ClinVar:

NM_001099271.2(POC5):c.962C>T (p.Ala321Val)

Gene: POC5 (POC5 centriolar protein; minus strand). Cytogenetic location: 5q13.3.
Variant type: single nucleotide variant.
Coding change: c.962C>T on transcript NM_001099271.2 (MANE Select); coding-DNA position 962, C replaced by T.
Protein change: p.Ala321Val; replaces alanine 321 with valine.
Molecular consequence: missense variant.
Genome position (GRCh38, 1-based): chr5:75,690,396, G>A on the plus strand (C>T on the coding strand, the complement: POC5 is on the minus strand). VCF-style: chr5-75690396-G-A. GRCh37 (hg19) VCF-style: chr5-74986221-G-A.
Other names: c.887C>T, p.Ala296Val (NM_152408.3); short protein forms A296V, A321V.
Identifiers: ClinVar variation 1395322 (VCV001395322.6), dbSNP rs1776277063, ClinGen allele CA360146274.

ClinVar aggregate classification (germline): Uncertain significance (1 of 4 stars; one submission).

Allele frequency attached by ClinVar (database versions not stated): TOPMed 0.00001.

Submission:

Labcorp Genetics (formerly Invitae), Labcorp
Classification: Uncertain significance. Last evaluated: 2022-12-03. Review status: criteria provided, single submitter. Criteria: Invitae Variant Classification Sherloc (09022015). Collection method: clinical testing. Allele origin: germline.
Comment: Algorithms developed to predict the effect of missense changes on protein structure and function are either unavailable or do not agree on the potential impact of this missense change (SIFT: "Not Available"; PolyPhen-2: "Benign"; Align-GVGD: "Not Available"). ClinVar contains an entry for this variant (Variation ID: 1395322). This variant has not been reported in the literature in individuals affected with POC5-related conditions. This variant is not present in population databases (gnomAD no frequency). This sequence change replaces alanine, which is neutral and non-polar, with valine, which is neutral and non-polar, at codon 321 of the POC5 protein (p.Ala321Val). In summary, the available evidence is currently insufficient to determine the role of this variant in disease. Therefore, it has been classified as a Variant of Uncertain Significance.